The following is an entry in ClinVar:

ClinVar aggregate classification (germline): Likely benign. Review status: criteria provided, multiple submitters, no conflicts (2 of 4 stars). 8 submissions from 8 submitters: Likely benign (7). 1 of the submissions does not count toward it. Last evaluated 2026-01-26.

Conditions:
POLE-related disorder. Also called: POLE-related disorders; POLE-related condition.
Hereditary cancer-predisposing syndrome. Also called: Neoplastic Syndromes, Hereditary; Hereditary Cancer Syndrome; Tumor predisposition; Hereditary neoplastic syndrome. Identifiers: Orphanet 140162, MedGen C0027672, MeSH D009386, MONDO:0015356.

Allele frequency attached by ClinVar (database versions not stated): ExAC 0.00002; gnomAD 0.00002; gnomAD exomes 0.00004; TOPMed 0.00005; ESP Exome Variant Server 0.00008.
gnomAD v4.1: 277 of 1,613,846 alleles (0.017%); highest among the groups gnomAD compares: Non-Finnish European, 0.023%; no homozygotes.

Submissions (8):

Labcorp Genetics (formerly Invitae), Labcorp
Classification: Likely benign. Last evaluated: 2026-01-26. Review status: criteria provided, single submitter. Criteria: Invitae Variant Classification Sherloc (09022015). Collection method: clinical testing. Allele origin: germline.

Mayo Clinic Laboratories, Mayo Clinic
Classification: Likely benign. Last evaluated: 2025-01-20. Review status: criteria provided, single submitter. Criteria: ACMG Guidelines, 2015. Collection method: clinical testing. Allele origin: germline. Observed: 2 variant alleles.
Comment: BP4, BP7

Blueprint Genetics
Classification: Likely benign. Last evaluated: 2024-02-20. Review status: criteria provided, single submitter. Criteria: ACMG Guidelines, 2015. Collection method: clinical testing. Allele origin: germline.

ARUP Laboratories, Molecular Genetics and Genomics, ARUP Laboratories
Classification: Likely benign. Last evaluated: 2023-03-27. Review status: criteria provided, single submitter. Criteria: ARUP Molecular Germline Variant Investigation Process 2024. Collection method: clinical testing. Allele origin: germline.

GeneDx
Classification: Likely benign. Last evaluated: 2021-05-17. Review status: criteria provided, single submitter. Criteria: GeneDx Variant Classification Process June 2021. Collection method: clinical testing. Allele origin: germline. Affected: yes.

Quest Diagnostics Nichols Institute San Juan Capistrano
Classification: Likely benign. Last evaluated: 2018-08-05. Review status: criteria provided, single submitter. Criteria: Quest Diagnostics criteria. Collection method: clinical testing. Allele origin: unknown.

Ambry Genetics
Classification: Likely benign for Hereditary cancer-predisposing syndrome. Last evaluated: 2015-06-15. Review status: criteria provided, single submitter. Criteria: Ambry Variant Classification Scheme 2023. Collection method: clinical testing. Allele origin: germline.

PreventionGenetics, part of Exact Sciences
Classification: Likely benign for POLE-related condition. Last evaluated: 2019-09-05. Review status: no assertion criteria provided. Collection method: clinical testing. Allele origin: germline. Not counted in ClinVar's aggregate classification.
Comment: This variant is classified as likely benign based on ACMG/AMP sequence variant interpretation guidelines (Richards et al. 2015 PMID: 25741868, with internal and published modifications).

NM_006231.4(POLE):c.351A>G (p.Ser117=)

Gene: POLE (DNA polymerase epsilon, catalytic subunit; minus strand). Cytogenetic location: 12q24.33.
Variant type: single nucleotide variant.
Coding change: c.351A>G on transcript NM_006231.4 (MANE Select); coding-DNA position 351, A replaced by G.
Protein change: p.Ser117=; no amino-acid change (serine 117 retained).
Molecular consequence: synonymous variant.
Genome position (GRCh38, 1-based): chr12:132,680,026, T>C on the plus strand (A>G on the coding strand, the complement: POLE is on the minus strand). VCF-style: chr12-132680026-T-C. GRCh37 (hg19) VCF-style: chr12-133256612-T-C.
Other names: p.Ser117=.
Identifiers: ClinVar variation 240470 (VCV000240470.26), dbSNP rs199773841, ClinGen allele CA6894342.
Genomic context (GRCh38, chr12:132,680,026, plus strand): 5'-CTCTTTGGGGACAGTCTCCACTTTTGCAATTTTGCCCTGAAACTTCTTGGAGAGAAAAGA[T>C]GAAACTTCTCGCTCACAACCCTAATCAGGATCAGAATGAAAAGGCTTTCCATTGGTAAAA-3'
Protein context (NP_006222.2, residues 107-127): ATRKGCEREV[Ser117=]SFLSKKFQGK